The following is an entry in ClinVar:

NM_001035.3(RYR2):c.2808G>T (p.Ser936=)

Gene: RYR2 (ryanodine receptor 2; plus strand). Cytogenetic location: 1q43.
Variant type: single nucleotide variant.
Coding change: c.2808G>T on transcript NM_001035.3 (MANE Select); coding-DNA position 2808, G replaced by T.
Protein change: p.Ser936=; no amino-acid change (serine 936 retained).
Molecular consequence: synonymous variant.
Genome position (GRCh38, 1-based): chr1:237,511,777, G>T. VCF-style: chr1-237511777-G-T. GRCh37 (hg19) VCF-style: chr1-237675077-G-T.
Other names: c.2808G>T, p.Ser936= (LRG_402t1).
Identifiers: ClinVar variation 463589 (VCV000463589.18), dbSNP rs1057521205, ClinGen allele CA423816973.

ClinVar aggregate classification (germline): Likely benign. Review status: criteria provided, multiple submitters, no conflicts (2 of 4 stars). 4 submissions from 4 submitters: Likely benign (4). Last evaluated 2025-11-22.

Conditions:
Cardiovascular phenotype. Identifiers: MedGen CN230736.
Catecholaminergic polymorphic ventricular tachycardia (CVPT). Also called: Catecholamine-induced polymorphic ventricular tachycardia. Identifiers: Orphanet 3286, MedGen C5574922, MONDO:0017990.
Cardiomyopathy (CMYO). Also called: Cardiomyopathies. Identifiers: Orphanet 167848, MedGen C0878544, MONDO:0004994, HP:0001638. Inheritance: Various modes of inheritance.
Catecholaminergic polymorphic ventricular tachycardia 1. Also called: VENTRICULAR TACHYCARDIA, STRESS-INDUCED POLYMORPHIC 1; VENTRICULAR TACHYCARDIA, CATECHOLAMINERGIC POLYMORPHIC, 1, WITH OR WITHOUT ATRIAL DYSFUNCTION AND/OR DILATED CARDIOMYOPATHY; RYR2-Related Catecholaminergic Polymorphic Ventricular Tachycardia. Identifiers: Orphanet 3286, MedGen C1631597, MONDO:0011484, OMIM 604772.

gnomAD v4.1: 1 of 1,479,068 alleles (0.000068%); no homozygotes.

Submissions (4):

Labcorp Genetics (formerly Invitae), Labcorp
Classification: Likely benign for Catecholaminergic polymorphic ventricular tachycardia 1. Last evaluated: 2025-11-22. Review status: criteria provided, single submitter. Criteria: Invitae Variant Classification Sherloc (09022015). Collection method: clinical testing. Allele origin: germline.

All of Us Research Program, National Institutes of Health
Classification: Likely benign for Catecholaminergic polymorphic ventricular tachycardia. Last evaluated: 2023-09-17. Review status: criteria provided, single submitter. Criteria: ACMG Guidelines, 2015. Collection method: clinical testing. Allele origin: germline. Inheritance: Autosomal dominant inheritance. Observed: 3 variant alleles, 3 heterozygotes.
Comment: This study involves interpretation of variants in research participants for the purpose of population health screening. Participant phenotype was not available at the time of variant classification. Additional details can be found in publication PMID: 35346344, PMCID: PMC8962531

Color Diagnostics, LLC DBA Color Health
Classification: Likely benign for Cardiomyopathy. Last evaluated: 2022-11-06. Review status: criteria provided, single submitter. Criteria: ACMG Guidelines, 2015. Collection method: clinical testing. Allele origin: germline.

Ambry Genetics
Classification: Likely benign for Cardiovascular phenotype. Last evaluated: 2021-06-16. Review status: criteria provided, single submitter. Criteria: Ambry Variant Classification Scheme 2023. Collection method: clinical testing. Allele origin: germline.

Literature cited by the submitters: PubMed 25730765 (cited by Ambry Genetics).